The following is an entry in ClinVar:

NM_001370466.1(NOD2):c.1851_1852delinsAA (p.Pro618Thr)

Gene: NOD2 (nucleotide binding oligomerization domain containing 2; plus strand). Cytogenetic location: 16q12.1.
Variant type: Indel.
Coding change: c.1851_1852delinsAA on transcript NM_001370466.1 (MANE Select); coding-DNA positions 1851 to 1852, GC replaced by AA.
Protein change: p.Pro618Thr; replaces proline 618 with threonine.
Molecular consequence: missense variant. On other transcripts: non-coding transcript variant (1).
Genome position (GRCh38, 1-based): chr16:50,711,843-50,711,844, GC replaced by AA. VCF-style: chr16-50711843-GC-AA. GRCh37 (hg19) VCF-style: chr16-50745754-GC-AA.
Other names: c.1851_1852delinsAA, p.Pro618Thr (NM_001293557.2); c.1932_1933delinsAA, p.Pro645Thr (NM_022162.3); short protein forms P618T, P645T.
Identifiers: ClinVar variation 2939855 (VCV002939855.3), dbSNP rs2506425472, ClinGen allele CA2740093322.
Genomic context (GRCh38, chr16:50,711,843, plus strand): 5'-TTTGCTCAGACACCTCTTCAATTGTGGCAGGCCAGGCAACTCACCAATGGCCAGGCTCCT[GC>AA]CCACGATGTGCATCCAGGCCTCGGAGGGAAAGGACAGCAGCGTGGCAGCTTTGCTGCAGA-3'
Protein context (NP_001357395.1, residues 608-628): PGNSPMARLL[Pro618Thr]TMCIQASEGK

ClinVar aggregate classification (germline): Uncertain significance (1 of 4 stars; one submission).

Conditions:
Regional enteritis. Also called: Enteritis, Granulomatous. Identifiers: MedGen C0678202, MeSH D003424.
Blau syndrome (BLAUS). Also called: ARTHROCUTANEOUVEAL GRANULOMATOSIS; GRANULOMATOSIS, FAMILIAL JUVENILE SYSTEMIC; GRANULOMATOSIS, FAMILIAL, BLAU TYPE; GRANULOMATOUS INFLAMMATORY ARTHRITIS, DERMATITIS, AND UVEITIS, FAMILIAL; JABS SYNDROME. Identifiers: Orphanet 90340, MedGen C5201146, MONDO:0008523, OMIM 186580.

Submission:

Labcorp Genetics (formerly Invitae), Labcorp
Classification: Uncertain significance for Regional enteritis; Blau syndrome. Last evaluated: 2023-03-02. Review status: criteria provided, single submitter. Criteria: Invitae Variant Classification Sherloc (09022015). Collection method: clinical testing. Allele origin: germline.
Comment: Information on the frequency of this variant in the gnomAD database is not available, as this variant may be reported differently in the database. This sequence change replaces proline, which is neutral and non-polar, with threonine, which is neutral and polar, at codon 645 of the NOD2 protein (p.Pro645Thr). This variant has not been reported in the literature in individuals affected with NOD2-related conditions. In summary, the available evidence is currently insufficient to determine the role of this variant in disease. Therefore, it has been classified as a Variant of Uncertain Significance. Experimental studies and prediction algorithms are not available or were not evaluated, and the functional significance of this variant is currently unknown.